The following is an entry in ClinVar:

NM_014874.4(MFN2):c.1988G>T (p.Arg663Leu)

Gene: MFN2 (mitofusin 2; plus strand). Cytogenetic location: 1p36.22.
Variant type: single nucleotide variant.
Coding change: c.1988G>T on transcript NM_014874.4 (MANE Select); coding-DNA position 1988, G replaced by T.
Protein change: p.Arg663Leu; replaces arginine 663 with leucine.
Molecular consequence: missense variant.
Genome position (GRCh38, 1-based): chr1:12,007,168, G>T. VCF-style: chr1-12007168-G-T. GRCh37 (hg19) VCF-style: chr1-12067225-G-T.
Other names: p.R663L; c.1988G>T, p.Arg663Leu (NM_001127660.2); short protein forms R663L.
Identifiers: ClinVar variation 447720 (VCV000447720.12), dbSNP rs766735605, ClinGen allele CA599293.

ClinVar aggregate classification (germline): Uncertain significance. Review status: criteria provided, multiple submitters, no conflicts (2 of 4 stars). 7 submissions from 7 submitters: Uncertain significance (7). Last evaluated 2025-11-25.

Conditions:
MFN2-related disorder. Also called: MFN2-related disorders; MFN2-related condition.
Inborn genetic diseases. Identifiers: MedGen C0950123, MeSH D030342.
Charcot-Marie-Tooth disease type 2. Also called: Charcot-Marie-Tooth type 2. Identifiers: Orphanet 64746, MedGen C0270914, MONDO:0018993.
Charcot-Marie-Tooth disease. Also called: Charcot-Marie-Tooth Neuropathy; Charcot-Marie-Tooth Hereditary Neuropathy. Identifiers: Orphanet 166, MedGen C0007959, MONDO:0015626.

Allele frequency attached by ClinVar (database versions not stated): gnomAD 0.00003; TOPMed 0.00003.
gnomAD v4.1: 64 of 1,614,040 alleles (0.004%); highest among the groups gnomAD compares: Non-Finnish European, 0.0053%; no homozygotes.

Submissions (7):

PreventionGenetics, part of Exact Sciences
Classification: Uncertain significance for MFN2-related condition. Last evaluated: 2025-11-25. Review status: criteria provided, single submitter. Criteria: ACMG Guidelines, 2015. Collection method: clinical testing. Allele origin: germline.
Comment: The MFN2 c.1988G>T variant is predicted to result in the amino acid substitution p.Arg663Leu. This variant has been observed in a cohort study of individuals with unexplained ataxia; however, many other variants were detected in this individual and the c.1988G>T variant was not considered a candidate variant to explain the patient phenotype (Supp. Table 7, P32, Pyle et al. 2014. PubMed ID: 25497598). This variant is reported in 0.0031% of alleles in individuals of European (non-Finnish) descent in gnomAD. At this time, the clinical significance of this variant is uncertain due to the absence of conclusive functional and genetic evidence.

Labcorp Genetics (formerly Invitae), Labcorp
Classification: Uncertain significance for Charcot-Marie-Tooth disease type 2. Last evaluated: 2025-04-27. Review status: criteria provided, single submitter. Criteria: Invitae Variant Classification Sherloc (09022015). Collection method: clinical testing. Allele origin: germline.
Comment: This sequence change replaces arginine, which is basic and polar, with leucine, which is neutral and non-polar, at codon 663 of the MFN2 protein (p.Arg663Leu). This variant is present in population databases (rs766735605, gnomAD 0.003%). This variant has not been reported in the literature in individuals affected with MFN2-related conditions. ClinVar contains an entry for this variant (Variation ID: 447720). Invitae Evidence Modeling of protein sequence and biophysical properties (such as structural, functional, and spatial information, amino acid conservation, physicochemical variation, residue mobility, and thermodynamic stability) has been performed for this missense variant. However, the output from this modeling did not meet the statistical confidence thresholds required to predict the impact of this variant on MFN2 protein function. In summary, the available evidence is currently insufficient to determine the role of this variant in disease. Therefore, it has been classified as a Variant of Uncertain Significance.

Ambry Genetics
Classification: Uncertain significance for Inborn genetic diseases. Last evaluated: 2022-12-15. Review status: criteria provided, single submitter. Criteria: Ambry Variant Classification Scheme 2023. Collection method: clinical testing. Allele origin: germline.
Comment: The c.1988G>T (p.R663L) alteration is located in exon 17 (coding exon 15) of the MFN2 gene. This alteration results from a G to T substitution at nucleotide position 1988, causing the arginine (R) at amino acid position 663 to be replaced by a leucine (L). Based on data from the Genome Aggregation Database (gnomAD), the MFN2 c.1988G>T alteration was observed in 0.001% (4/282,798) total alleles studied. This amino acid position is conserved in available vertebrate species, except for lizard. The alteration is predicted deleterious by in silico models:_x000D_ _x000D_ The p.R663L alteration is predicted to be possibly damaging by Polyphen and deleterious by SIFT in silico analyses. Based on insufficient or conflicting evidence, the clinical significance of this alteration remains unclear.

Blueprint Genetics
Classification: Uncertain significance. Last evaluated: 2022-04-11. Review status: criteria provided, single submitter. Criteria: ACMG Guidelines, 2015. Collection method: clinical testing. Allele origin: germline.

Mayo Clinic Laboratories, Mayo Clinic
Classification: Uncertain significance. Last evaluated: 2017-03-27. Review status: criteria provided, single submitter. Criteria: ACMG Guidelines, 2015. Collection method: clinical testing. Allele origin: germline.

Athena Diagnostics
Classification: Uncertain significance. Last evaluated: 2016-10-28. Review status: criteria provided, single submitter. Criteria: Athena Diagnostics Criteria. Collection method: clinical testing. Allele origin: germline.

Molecular Genetics Laboratory, London Health Sciences Centre
Classification: Uncertain significance for Charcot-Marie-Tooth disease. Review status: criteria provided, single submitter. Criteria: ACMG Guidelines, 2015. Collection method: clinical testing. Allele origin: germline. Affected: yes.

Literature cited by the submitters: PubMed 25497598 (cited by Ambry Genetics).